The following is an entry in ClinVar:

NM_001042492.3(NF1):c.5610-15T>A

Gene: NF1 (neurofibromin 1; plus strand). Cytogenetic location: 17q11.2.
Variant type: single nucleotide variant.
Coding change: c.5610-15T>A on transcript NM_001042492.3 (MANE Select); 15 bases into the intron before coding-DNA position 5610, T replaced by A.
Molecular consequence: intron variant.
Genome position (GRCh38, 1-based): chr17:31,330,281, T>A. VCF-style: chr17-31330281-T-A. GRCh37 (hg19) VCF-style: chr17-29657299-T-A.
Other names: c.5547-15T>A (NM_000267.4).
Identifiers: ClinVar variation 5042006 (VCV005042006.1).

ClinVar aggregate classification (germline): VUS-mid (1 of 4 stars; one submission).

Conditions:
Neurofibromatosis, type 1 (NF1). Also called: VON RECKLINGHAUSEN DISEASE; NEUROFIBROMATOSIS, TYPE I, SOMATIC; Peripheral type neurofibromatosis; Neurofibromatosis, type I. Identifiers: Orphanet 636, MedGen C0027831, MONDO:0018975, OMIM 162200. Disease mechanism: loss of function.

Submission:

Clinical Genetics Laboratory, University Hospital Schleswig-Holstein
Classification: VUS-mid for Neurofibromatosis, type 1. Last evaluated: 2025-01-21. Review status: criteria provided, single submitter. Criteria: ACMG Guidelines, 2015. Collection method: clinical testing. Allele origin: germline. Affected: yes.
Comment: ACMG criteria applied: PM2, PP3, PP4_Moderate